The following is an entry in ClinVar:

NC_000008.10:g.(?_100286406)_(100523760_?)del

Gene: VPS13B (vacuolar protein sorting 13 homolog B; plus strand). Cytogenetic location: 8q22.2.
Variant type: Deletion.
Identifiers: ClinVar variation 2426380 (VCV002426380.4).

ClinVar aggregate classification (germline): Pathogenic (1 of 4 stars; one submission).

Conditions:
Cohen syndrome (COH1). Also called: Cutis verticis gyrata, retinitis pigmentosa, and sensorineural deafness; PEPPER SYNDROME. Identifiers: Orphanet 193, MedGen C0265223, MONDO:0008999, OMIM 216550.

Submission:

Labcorp Genetics (formerly Invitae), Labcorp
Classification: Pathogenic for Cohen syndrome. Last evaluated: 2023-12-02. Review status: criteria provided, single submitter. Criteria: Invitae Variant Classification Sherloc (09022015). Collection method: clinical testing. Allele origin: germline.
Comment: This variant is a gross deletion of the genomic region encompassing exon(s) 18-29 of the VPS13B gene. This variant would be expected to be in-frame, preserving the integrity of the reading frame. This variant has not been reported in the literature in individuals affected with VPS13B-related conditions. This variant disrupts a region of the VPS13B protein in which other variant(s) (Deletion of exons 20-21) have been determined to be pathogenic (PMID: 15141358). This suggests that this is a clinically significant region of the protein, and that variants that disrupt it are likely to be disease-causing. For these reasons, this variant has been classified as Pathogenic.

Literature cited by the submitters: PubMed 15141358.